The following is an entry in ClinVar:

ClinVar aggregate classification (germline): Uncertain significance. Review status: criteria provided, multiple submitters, no conflicts (2 of 4 stars). 5 submissions from 5 submitters: Uncertain significance (4). 1 of the submissions does not count toward it. Last evaluated 2025-05-05.

Conditions:
Hereditary cancer-predisposing syndrome. Also called: Hereditary Cancer Syndrome; Hereditary neoplastic syndrome; Tumor predisposition; Neoplastic Syndromes, Hereditary. Identifiers: Orphanet 140162, MedGen C0027672, MeSH D009386, MONDO:0015356.
Familial cancer of breast. Also called: BREAST CANCER, FAMILIAL; hereditary breast carcinoma; Hereditary breast cancer. Identifiers: Orphanet 227535, MedGen C0346153, MONDO:0016419, OMIM 114480. Disease mechanism: loss of function.

Allele frequency attached by ClinVar (database versions not stated): gnomAD exomes below 0.00001.
gnomAD v4.1: 1 of 1,614,180 alleles (0.000062%); highest among the groups gnomAD compares: Non-Finnish European, 0.000085%; no homozygotes.

Submissions (5):

Labcorp Genetics (formerly Invitae), Labcorp
Classification: Uncertain significance for Familial cancer of breast. Last evaluated: 2025-05-05. Review status: criteria provided, single submitter. Criteria: Invitae Variant Classification Sherloc (09022015). Collection method: clinical testing. Allele origin: germline.
Comment: This sequence change replaces glutamic acid, which is acidic and polar, with glycine, which is neutral and non-polar, at codon 211 of the PALB2 protein (p.Glu211Gly). This variant is not present in population databases (gnomAD no frequency). This missense change has been observed in individual(s) with breast cancer (PMID: 19333784). ClinVar contains an entry for this variant (Variation ID: 126762). An algorithm developed to predict the effect of missense changes on protein structure and function (PolyPhen-2) suggests that this variant is likely to be tolerated. In summary, the available evidence is currently insufficient to determine the role of this variant in disease. Therefore, it has been classified as a Variant of Uncertain Significance.

Center for Genomic Medicine, Rigshospitalet, Copenhagen University Hospital
Classification: Uncertain significance. Last evaluated: 2025-03-04. Review status: criteria provided, single submitter. Criteria: ACMG Guidelines, 2015. Collection method: clinical testing. Allele origin: germline.

Ambry Genetics
Classification: Uncertain significance for Hereditary cancer-predisposing syndrome. Last evaluated: 2024-09-16. Review status: criteria provided, single submitter. Criteria: Ambry Variant Classification Scheme 2023. Collection method: clinical testing. Allele origin: germline.
Comment: The p.E211G variant (also known as c.632A>G), located in coding exon 4 of the PALB2 gene, results from an A to G substitution at nucleotide position 632. The glutamic acid at codon 211 is replaced by glycine, an amino acid with similar properties. This amino acid position is poorly conserved in available vertebrate species. In addition, this alteration is predicted to be tolerated by in silico analysis. Since supporting evidence is limited at this time, the clinical significance of this alteration remains unclear.

Color Diagnostics, LLC DBA Color Health
Classification: Uncertain significance for Hereditary cancer-predisposing syndrome. Last evaluated: 2021-08-31. Review status: criteria provided, single submitter. Criteria: ACMG Guidelines, 2015. Collection method: clinical testing. Allele origin: germline.
Comment: This missense variant replaces glutamic acid with glycine at codon 211 of the PALB2 protein. Computational prediction suggests that this variant may not impact protein structure and function (internally defined REVEL score threshold <= 0.5, PMID: 27666373). To our knowledge, functional studies have not been reported for this variant. This variant has been reported in an individual affected with breast cancer (PMID: 19333784) and also in a breast cancer case-control meta-analysis in 1/53460 unaffected individuals and absent in 60466 cases (PMID: 33471991; Leiden Open Variation Database DB-ID PALB2_010040). This variant has not been identified in the general population by the Genome Aggregation Database (gnomAD). The available evidence is insufficient to determine the role of this variant in disease conclusively. Therefore, this variant is classified as a Variant of Uncertain Significance.

Leiden Open Variation Database
Classification: Uncertain significance for Familial cancer of breast. Last evaluated: 2019-05-13. Review status: no assertion criteria provided. Collection method: curation. Allele origin: germline. Affected: yes. Not counted in ClinVar's aggregate classification.
Comment: Curators: Marc Tischkowitz, Arleen D. Auerbach. Submitter to LOVD: Marc Tischkowitz.

Literature cited by the submitters: PubMed 19333784 (cited by 4 submitters); PubMed 33471991 (cited by Color Diagnostics, LLC DBA Color Health).

NM_024675.4(PALB2):c.632A>G (p.Glu211Gly)

Gene: PALB2 (partner and localizer of BRCA2; minus strand). Cytogenetic location: 16p12.2.
Variant type: single nucleotide variant.
Coding change: c.632A>G on transcript NM_024675.4 (MANE Select); coding-DNA position 632, A replaced by G.
Protein change: p.Glu211Gly; replaces glutamic acid 211 with glycine.
Molecular consequence: missense variant.
Genome position (GRCh38, 1-based): chr16:23,635,914, T>C on the plus strand (A>G on the coding strand, the complement: PALB2 is on the minus strand). VCF-style: chr16-23635914-T-C. GRCh37 (hg19) VCF-style: chr16-23647235-T-C.
Other names: short protein forms E211G.
Identifiers: ClinVar variation 126762 (VCV000126762.17), dbSNP rs180177089, ClinGen allele CA269642.